The following is an entry in ClinVar:

ClinVar aggregate classification (germline): Uncertain significance (1 of 4 stars; one submission).

gnomAD v4.1: 1 of 1,594,830 alleles (0.000063%); no homozygotes.

Submission:

Labcorp Genetics (formerly Invitae), Labcorp
Classification: Uncertain significance. Last evaluated: 2025-08-11. Review status: criteria provided, single submitter. Criteria: Invitae Variant Classification Sherloc (09022015). Collection method: clinical testing. Allele origin: germline.
Comment: This sequence change replaces serine, which is neutral and polar, with glycine, which is neutral and non-polar, at codon 256 of the NAA35 protein (p.Ser256Gly). This variant is not present in population databases (gnomAD no frequency). This variant has not been reported in the literature in individuals affected with NAA35-related conditions. ClinVar contains an entry for this variant (Variation ID: 3701234). An algorithm developed to predict the effect of missense changes on protein structure and function (PolyPhen-2) suggests that this variant is likely to be tolerated. In summary, the available evidence is currently insufficient to determine the role of this variant in disease. Therefore, it has been classified as a Variant of Uncertain Significance.

NM_024635.4(NAA35):c.766A>G (p.Ser256Gly)

Gene: NAA35 (N-alpha-acetyltransferase 35, NatC auxiliary subunit; plus strand). Cytogenetic location: 9q21.33.
Variant type: single nucleotide variant.
Coding change: c.766A>G on transcript NM_024635.4 (MANE Select); coding-DNA position 766, A replaced by G.
Protein change: p.Ser256Gly; replaces serine 256 with glycine.
Molecular consequence: missense variant.
Genome position (GRCh38, 1-based): chr9:85,978,270, A>G. VCF-style: chr9-85978270-A-G. GRCh37 (hg19) VCF-style: chr9-88593185-A-G.
Other names: c.766A>G, p.Ser256Gly (NM_001321881.2, NM_001321882.2); short protein forms S256G.
Identifiers: ClinVar variation 3701234 (VCV003701234.2).